The following is an entry in ClinVar:

ClinVar aggregate classification (germline): Uncertain significance (1 of 4 stars; one submission).

gnomAD v4.1: 8 of 1,613,836 alleles (0.0005%); highest among the groups gnomAD compares: East Asian, 0.0022%; no homozygotes.

Submission:

Women's Health and Genetics/Laboratory Corporation of America, LabCorp
Classification: Uncertain significance. Last evaluated: 2024-09-06. Review status: criteria provided, single submitter. Criteria: LabCorp Variant Classification Summary - May 2015. Collection method: clinical testing. Allele origin: germline.
Comment: Variant summary: CTSD c.205G>A (p.Glu69Lys) results in a conservative amino acid change in the encoded protein sequence. Four of five in-silico tools predict a damaging effect of the variant on protein function. The variant allele was found at a frequency of 4e-06 in 251020 control chromosomes. c.205G>A has been reported in the literature in a homozygous individual affected with Neuronal Ceroid-Lipofuscinosis (Batten Disease) and the patient had defective enzymatic CTSD activity in dried blood spot detected by mass spectrometry (MS)-based assay (example: Doccini_2016) . These data indicate that the variant may be associated with disease. The following publication has been ascertained in the context of this evaluation (PMID: 27072142). No submitters have cited clinical-significance assessments for this variant to ClinVar. Based on the evidence outlined above, the variant was classified as VUS-possibly pathogenic.

Literature cited by the submitters: PubMed 27072142.

NM_001909.5(CTSD):c.205G>A (p.Glu69Lys)

Genes: CTSD (cathepsin D; minus strand), PRADX (PRC2 and DDX5 associated lncRNA; plus strand). Cytogenetic location: 11p15.5.
Variant type: single nucleotide variant.
Coding change: c.205G>A on transcript NM_001909.5 (MANE Select); coding-DNA position 205, G replaced by A.
Protein change: p.Glu69Lys; replaces glutamic acid 69 with lysine.
Molecular consequence: missense variant. On other transcripts: non-coding transcript variant (1).
Genome position (GRCh38, 1-based): chr11:1,761,332, C>T on the plus strand (G>A on the coding strand, the complement: CTSD is on the minus strand). VCF-style: chr11-1761332-C-T. GRCh37 (hg19) VCF-style: chr11-1782562-C-T.
Other names: short protein forms E69K.
Identifiers: ClinVar variation 3375013 (VCV003375013.1).